The following is an entry in ClinVar:

ClinVar aggregate classification (germline): Uncertain significance (1 of 4 stars; one submission).

gnomAD v4.1: 1 of 1,613,006 alleles (0.000062%); highest among the groups gnomAD compares: Admixed American, 0.0017%; no homozygotes.

Submission:

Labcorp Genetics (formerly Invitae), Labcorp
Classification: Uncertain significance. Last evaluated: 2025-06-04. Review status: criteria provided, single submitter. Criteria: Invitae Variant Classification Sherloc (09022015). Collection method: clinical testing. Allele origin: germline.
Comment: This sequence change replaces threonine, which is neutral and polar, with alanine, which is neutral and non-polar, at codon 686 of the STAT4 protein (p.Thr686Ala). This variant is not present in population databases (gnomAD no frequency). This variant has not been reported in the literature in individuals affected with STAT4-related conditions. ClinVar contains an entry for this variant (Variation ID: 3675367). An algorithm developed to predict the effect of missense changes on protein structure and function (PolyPhen-2) suggests that this variant is likely to be tolerated. In summary, the available evidence is currently insufficient to determine the role of this variant in disease. Therefore, it has been classified as a Variant of Uncertain Significance.

NM_003151.4(STAT4):c.2056A>G (p.Thr686Ala)

Genes: STAT4 (signal transducer and activator of transcription 4; minus strand), STAT4-AS1 (STAT4 antisense RNA 1; plus strand). Cytogenetic location: 2q32.2.
Variant type: single nucleotide variant.
Coding change: c.2056A>G on transcript NM_003151.4 (MANE Select); coding-DNA position 2056, A replaced by G.
Protein change: p.Thr686Ala; replaces threonine 686 with alanine.
Molecular consequence: missense variant.
Genome position (GRCh38, 1-based): chr2:191,031,505, T>C on the plus strand (A>G on the coding strand, the complement: STAT4 is on the minus strand). VCF-style: chr2-191031505-T-C. GRCh37 (hg19) VCF-style: chr2-191896231-T-C.
Other names: c.2056A>G, p.Thr686Ala (NM_001243835.2); short protein forms T686A.
Identifiers: ClinVar variation 3675367 (VCV003675367.2).